The following is an entry in ClinVar:

ClinVar aggregate classification (germline): Uncertain significance (1 of 4 stars; one submission).

Conditions:
Early Myoclonic Encephalopathy. Identifiers: MedGen C0270855.

Allele frequency attached by ClinVar (database versions not stated): gnomAD exomes 0.00001.
gnomAD v4.1: 8 of 1,606,234 alleles (0.0005%); highest among the groups gnomAD compares: Non-Finnish European, 0.00068%; no homozygotes.

Submission:

Labcorp Genetics (formerly Invitae), Labcorp
Classification: Uncertain significance for Early Myoclonic Encephalopathy. Last evaluated: 2019-08-23. Review status: criteria provided, single submitter. Criteria: Invitae Variant Classification Sherloc (09022015). Collection method: clinical testing. Allele origin: germline.
Comment: In summary, the available evidence is currently insufficient to determine the role of this variant in disease. Therefore, it has been classified as a Variant of Uncertain Significance. Algorithms developed to predict the effect of missense changes on protein structure and function are either unavailable or do not agree on the potential impact of this missense change (SIFT: "Tolerated"; PolyPhen-2: "Probably Damaging"; Align-GVGD: "Class C0"). This variant has not been reported in the literature in individuals with JMJD1C-related conditions. This variant is not present in population databases (ExAC no frequency). This sequence change replaces arginine with threonine at codon 1769 of the JMJD1C protein (p.Arg1769Thr). The arginine residue is highly conserved and there is a moderate physicochemical difference between arginine and threonine.

NM_032776.3(JMJD1C):c.5306G>C (p.Arg1769Thr)

Gene: JMJD1C (jumonji domain containing 1C; minus strand). Cytogenetic location: 10q21.3.
Variant type: single nucleotide variant.
Coding change: c.5306G>C on transcript NM_032776.3 (MANE Select); coding-DNA position 5306, G replaced by C.
Protein change: p.Arg1769Thr; replaces arginine 1769 with threonine.
Molecular consequence: missense variant. On other transcripts: non-coding transcript variant (1).
Genome position (GRCh38, 1-based): chr10:63,198,698, C>G on the plus strand (G>C on the coding strand, the complement: JMJD1C is on the minus strand). VCF-style: chr10-63198698-C-G. GRCh37 (hg19) VCF-style: chr10-64958458-C-G.
Other names: c.4760G>C, p.Arg1587Thr (NM_001282948.2, NM_001318154.2); c.4442G>C, p.Arg1481Thr (NM_001318153.2); c.5192G>C, p.Arg1731Thr (NM_001322252.2); c.4649G>C, p.Arg1550Thr (NM_001322254.2, NM_001322258.2); short protein forms R1481T, R1731T, R1769T, R1550T, R1587T.
Identifiers: ClinVar variation 959737 (VCV000959737.9), dbSNP rs1845704702, ClinGen allele CA377032399.